The following is an entry in ClinVar:

ClinVar aggregate classification (germline): Uncertain significance. Review status: criteria provided, multiple submitters, no conflicts (2 of 4 stars). 2 submissions from 2 submitters: Uncertain significance (2). Last evaluated 2023-12-05.

Conditions:
Hereditary cancer-predisposing syndrome. Also called: Hereditary Cancer Syndrome; Neoplastic Syndromes, Hereditary; Tumor predisposition; Hereditary neoplastic syndrome. Identifiers: Orphanet 140162, MedGen C0027672, MeSH D009386, MONDO:0015356.
Ataxia-telangiectasia syndrome (AT). Also called: Ataxia-telangiectasia, complementation group D; AT, COMPLEMENTATION GROUP C; Ataxia-telangiectasia; ATAXIA-TELANGIECTASIA, COMPLEMENTATION GROUP A; ATAXIA-TELANGIECTASIA, FRESNO VARIANT; LOUIS-BAR SYNDROME. Identifiers: Orphanet 100, MedGen C0004135, MONDO:0008840, OMIM 208900.

Submissions (2):

Color Diagnostics, LLC DBA Color Health
Classification: Uncertain significance for Hereditary cancer-predisposing syndrome. Last evaluated: 2023-12-05. Review status: criteria provided, single submitter. Criteria: ACMG Guidelines, 2015. Collection method: clinical testing. Allele origin: germline.
Comment: This missense variant replaces leucine with phenylalanine at codon 271 of the ATM protein. Computational prediction suggests that this variant may not impact protein structure and function (internally defined REVEL score threshold <= 0.5, PMID: 27666373). To our knowledge, functional studies have not been reported for this variant. This variant has not been reported in individuals affected with ATM-related disorders in the literature. This variant has not been identified in the general population by the Genome Aggregation Database (gnomAD). The available evidence is insufficient to determine the role of this variant in disease conclusively. Therefore, this variant is classified as a Variant of Uncertain Significance.

Labcorp Genetics (formerly Invitae), Labcorp
Classification: Uncertain significance for Ataxia-telangiectasia syndrome. Last evaluated: 2019-02-12. Review status: criteria provided, single submitter. Criteria: Invitae Variant Classification Sherloc (09022015). Collection method: clinical testing. Allele origin: germline.
Comment: Algorithms developed to predict the effect of missense changes on protein structure and function are either unavailable or do not agree on the potential impact of this missense change (SIFT: "Tolerated"; PolyPhen-2: "Possibly Damaging"; Align-GVGD: "Class C0"). This variant has not been reported in the literature in individuals with ATM-related conditions. This variant is not present in population databases (ExAC no frequency). This sequence change replaces leucine with phenylalanine at codon 271 of the ATM protein (p.Leu271Phe). The leucine residue is weakly conserved and there is a small physicochemical difference between leucine and phenylalanine. In summary, the available evidence is currently insufficient to determine the role of this variant in disease. Therefore, it has been classified as a Variant of Uncertain Significance.

NM_000051.4(ATM):c.811C>T (p.Leu271Phe)

Gene: ATM (ATM serine/threonine kinase; plus strand). Cytogenetic location: 11q22.3.
Variant type: single nucleotide variant.
Coding change: c.811C>T on transcript NM_000051.4 (MANE Select); coding-DNA position 811, C replaced by T.
Protein change: p.Leu271Phe; replaces leucine 271 with phenylalanine.
Molecular consequence: missense variant.
Genome position (GRCh38, 1-based): chr11:108,244,936, C>T. VCF-style: chr11-108244936-C-T. GRCh37 (hg19) VCF-style: chr11-108115663-C-T.
Other names: c.811C>T, p.Leu271Phe (NM_001351834.2); short protein forms L271F.
Identifiers: ClinVar variation 630968 (VCV000630968.15), dbSNP rs730881339, ClinGen allele CA382529395.
Genomic context (GRCh38, chr11:108,244,936, plus strand): 5'-GTGTGTGAATTAGGAGATGAAATTCTTCCCACTTTGCTTTATATTTGGACTCAACATAGG[C>T]TTAATGATTCTTTAAAAGAAGTCATTATTGAATTATTTCAACTGCAAATTTATATCCATC-3'
Protein context (NP_000042.3, residues 261-281): TLLYIWTQHR[Leu271Phe]NDSLKEVIIE